The following is an entry in ClinVar:

NM_004793.4(LONP1):c.2848G>A (p.Glu950Lys)

Gene: LONP1 (lon peptidase 1, mitochondrial; minus strand). Cytogenetic location: 19p13.3.
Variant type: single nucleotide variant.
Coding change: c.2848G>A on transcript NM_004793.4 (MANE Select); coding-DNA position 2848, G replaced by A.
Protein change: p.Glu950Lys; replaces glutamic acid 950 with lysine.
Molecular consequence: missense variant. On other transcripts: non-coding transcript variant (1).
Genome position (GRCh38, 1-based): chr19:5,692,064, C>T on the plus strand (G>A on the coding strand, the complement: LONP1 is on the minus strand). VCF-style: chr19-5692064-C-T. GRCh37 (hg19) VCF-style: chr19-5692075-C-T.
Other names: c.2656G>A, p.Glu886Lys (NM_001276479.2); c.2260G>A, p.Glu754Lys (NM_001276480.1); short protein forms E754K, E886K, E950K.
Identifiers: ClinVar variation 3609642 (VCV003609642.2).
Genomic context (GRCh38, chr19:5,692,064, plus strand): 5'-TCCGCCGCCTGCAGTCCCGGGGTGGCCGTCACCGTTCCACGGCCAGCGCCTCTGCCTGCT[C>T]GTCCGGGAAGGCGATGTCGAAGATCTCCCGGTAGTGTTCCACGAAGTGCACCTCCAGGCC-3'
Protein context (NP_004784.2, residues 940-959): REIFDIAFPD[Glu950Lys]QAEALAVER

ClinVar aggregate classification (germline): Uncertain significance (1 of 4 stars; one submission).

Submission:

Labcorp Genetics (formerly Invitae), Labcorp
Classification: Uncertain significance. Last evaluated: 2024-11-23. Review status: criteria provided, single submitter. Criteria: Invitae Variant Classification Sherloc (09022015). Collection method: clinical testing. Allele origin: germline.
Comment: This sequence change replaces glutamic acid, which is acidic and polar, with lysine, which is basic and polar, at codon 950 of the LONP1 protein (p.Glu950Lys). This variant is not present in population databases (gnomAD no frequency). This variant has not been reported in the literature in individuals affected with LONP1-related conditions. Invitae Evidence Modeling of protein sequence and biophysical properties (such as structural, functional, and spatial information, amino acid conservation, physicochemical variation, residue mobility, and thermodynamic stability) indicates that this missense variant is not expected to disrupt LONP1 protein function with a negative predictive value of 95%. In summary, the available evidence is currently insufficient to determine the role of this variant in disease. Therefore, it has been classified as a Variant of Uncertain Significance.